The following is an entry in ClinVar:

ClinVar aggregate classification (germline): Uncertain significance. Review status: criteria provided, single submitter (1 of 4 stars). 2 submissions from 2 submitters: Uncertain significance (1). 1 of the submissions does not count toward it. Last evaluated 2025-04-17.

Conditions:
Metaphyseal chondrodysplasia, McKusick type (CHH). Also called: Cartilage-hair hypoplasia; Cartilage-Hair Hypoplasia (CHH). Identifiers: Orphanet 175, MedGen C0220748, MONDO:0009595, OMIM 250250.
Anauxetic dysplasia. Identifiers: Orphanet 93347, MedGen C1846796, MONDO:0011773.

Allele frequency attached by ClinVar (database versions not stated): 1000 Genomes Project 30x 0.00016.

Submissions (2):

Labcorp Genetics (formerly Invitae), Labcorp
Classification: Uncertain significance for Anauxetic dysplasia. Last evaluated: 2025-04-17. Review status: criteria provided, single submitter. Criteria: Invitae Variant Classification Sherloc (09022015). Collection method: clinical testing. Allele origin: germline.
Comment: This variant occurs in the RMRP gene, which encodes an RNA molecule that does not result in a protein product. This variant is present in population databases (no rsID available, gnomAD 0.005%). This variant has not been reported in the literature in individuals affected with RMRP-related conditions. ClinVar contains an entry for this variant (Variation ID: 966906). Experimental studies and prediction algorithms are not available or were not evaluated, and the functional significance of this variant is currently unknown. In summary, the available evidence is currently insufficient to determine the role of this variant in disease. Therefore, it has been classified as a Variant of Uncertain Significance.

Natera, Inc.
Classification: Uncertain significance for Cartilage-hair hypoplasia. Last evaluated: 2020-10-16. Review status: no assertion criteria provided. Collection method: clinical testing. Allele origin: germline. Not counted in ClinVar's aggregate classification.

NC_000009.12:g.35658028G>T

Gene: RMRP (RNA component of mitochondrial RNA processing endoribonuclease; minus strand). Cytogenetic location: 9p13.3.
Variant type: single nucleotide variant.
Genome position: GRCh38 VCF-style: chr9-35658028-G-T. GRCh37 (hg19) VCF-style: chr9-35658025-G-T.
Identifiers: ClinVar variation 966906 (VCV000966906.7), dbSNP rs572830134, ClinGen allele CA192745764.